The following is an entry in ClinVar:

NM_012154.5(AGO2):c.1685A>G (p.Asn562Ser)

Gene: AGO2 (argonaute RISC catalytic component 2; minus strand). Cytogenetic location: 8q24.3.
Variant type: single nucleotide variant.
Coding change: c.1685A>G on transcript NM_012154.5 (MANE Select); coding-DNA position 1685, A replaced by G.
Protein change: p.Asn562Ser; replaces asparagine 562 with serine.
Molecular consequence: missense variant.
Genome position (GRCh38, 1-based): chr8:140,547,531, T>C on the plus strand (A>G on the coding strand, the complement: AGO2 is on the minus strand). VCF-style: chr8-140547531-T-C. GRCh37 (hg19) VCF-style: chr8-141557630-T-C.
Other names: c.1685A>G, p.Asn562Ser (NM_001164623.3); short protein forms N562S.
Identifiers: ClinVar variation 2500569 (VCV002500569.1), dbSNP rs2540704722, ClinGen allele CA372318657.

ClinVar aggregate classification (germline): Uncertain significance (1 of 4 stars; one submission).

Submission:

GeneDx
Classification: Uncertain significance. Last evaluated: 2022-11-01. Review status: criteria provided, single submitter. Criteria: GeneDx Variant Classification Process June 2021. Collection method: clinical testing. Allele origin: germline. Affected: yes.
Comment: Not observed at significant frequency in large population cohorts (gnomAD); In silico analysis supports that this missense variant has a deleterious effect on protein structure/function; Has not been previously published as pathogenic or benign to our knowledge